The following is an entry in ClinVar:

NM_001267550.2(TTN):c.95406A>G (p.Arg31802=)

Genes: TTN (titin; minus strand), TTN-AS1 (TTN antisense RNA 1; plus strand). Cytogenetic location: 2q31.2.
Variant type: single nucleotide variant.
Coding change: c.95406A>G on transcript NM_001267550.2 (MANE Select); coding-DNA position 95406, A replaced by G.
Protein change: p.Arg31802=; no amino-acid change (arginine 31802 retained).
Molecular consequence: synonymous variant.
Genome position (GRCh38, 1-based): chr2:178,545,830, T>C on the plus strand (A>G on the coding strand, the complement: TTN is on the minus strand). VCF-style: chr2-178545830-T-C. GRCh37 (hg19) VCF-style: chr2-179410557-T-C.
Other names: c.68211A>G, p.Arg22737= (NM_003319.4); c.68586A>G, p.Arg22862= (NM_133432.3); c.68787A>G, p.Arg22929= (NM_133437.4); c.90483A>G, p.Arg30161= (NM_001256850.1); c.87702A>G, p.Arg29234= (NM_133378.4); c.95406A>G (NM_001267550.1).
Identifiers: ClinVar variation 228170 (VCV000228170.55), dbSNP rs199652273, ClinGen allele CA1986963.

ClinVar aggregate classification (germline): Benign/Likely benign. Review status: criteria provided, multiple submitters, no conflicts (2 of 4 stars). 12 submissions from 9 submitters: Benign (8); Likely benign (4). Last evaluated 2026-02-25.

Conditions:
TTN-related disorder. Also called: TTN-related condition; TTN-related disease; TTN-related disorders.
Cardiovascular phenotype. Identifiers: MedGen CN230736.
Autosomal recessive limb-girdle muscular dystrophy type 2J (LGMDR10). Also called: Limb-girdle muscular dystrophy, type 2J; MUSCULAR DYSTROPHY, LIMB-GIRDLE, AUTOSOMAL RECESSIVE 10. Identifiers: Orphanet 140922, MedGen C1837342, MONDO:0012127, OMIM 608807.
Dilated cardiomyopathy 1G (CMD1G). Identifiers: Orphanet 154, MedGen C1858763, MONDO:0011400, OMIM 604145.
Cardiomyopathy (CMYO). Also called: Cardiomyopathies. Identifiers: Orphanet 167848, MedGen C0878544, MONDO:0004994, HP:0001638. Inheritance: Various modes of inheritance.
Early-onset myopathy with fatal cardiomyopathy (CMYO5). Also called: CONGENITAL MYOPATHY 5 WITH CARDIOMYOPATHY; Salih Myopathy. Identifiers: Orphanet 289377, MedGen C2673677, MONDO:0012714, OMIM 611705. Disease mechanism: loss of function.
Tibial muscular dystrophy (TMD). Also called: Tibial muscular dystrophy, tardive; UDD MYOPATHY; Udd Distal Myopathy – Tibial Muscular Dystrophy. Identifiers: Orphanet 609, MedGen C1838244, MONDO:0010870, OMIM 600334.
Myopathy, myofibrillar, 9, with early respiratory failure (MFM9). Also called: Hereditary myopathy with early respiratory failure; MYOPATHY, PROXIMAL, WITH EARLY RESPIRATORY MUSCLE INVOLVEMENT; Myopathy, distal, with early respiratory failure, autosomal dominant; EDSTROM MYOPATHY. Identifiers: Orphanet 178464, Orphanet 34521, MedGen C1863599, MONDO:0011362, OMIM 603689.

Allele frequency attached by ClinVar (database versions not stated): gnomAD 0.00005 and 0.00006; TOPMed 0.00006; gnomAD exomes 0.00007 and 0.00018; ESP Exome Variant Server 0.00008; ExAC 0.00016.
gnomAD v4.1: 115 of 1,613,082 alleles (0.0071%); highest among the groups gnomAD compares: Non-Finnish European, 0.002%; no homozygotes.

Submissions (12):

PreventionGenetics, part of Exact Sciences
Classification: Likely benign for TTN-related condition. Last evaluated: 2026-02-25. Review status: criteria provided, single submitter. Criteria: ACMG Guidelines, 2015. Collection method: clinical testing. Allele origin: germline.
Comment: This variant is classified as likely benign based on ACMG/AMP sequence variant interpretation guidelines (Richards et al. 2015 PMID: 25741868, with internal and published modifications).

Labcorp Genetics (formerly Invitae), Labcorp
Classification: Benign for Dilated cardiomyopathy 1G; Autosomal recessive limb-girdle muscular dystrophy type 2J. Last evaluated: 2026-01-05. Review status: criteria provided, single submitter. Criteria: Invitae Variant Classification Sherloc (09022015). Collection method: clinical testing. Allele origin: germline.

CeGaT Center for Human Genetics Tuebingen
Classification: Likely benign. Last evaluated: 2024-11-01. Review status: criteria provided, single submitter. Criteria: CeGaT Center For Human Genetics Tuebingen Variant Classification Criteria Version 2. Collection method: clinical testing. Allele origin: germline. Affected: yes. Observed: 4 variant alleles.
Comment: TTN: BP4

Genome-Nilou Lab
Classification: Benign for Autosomal recessive limb-girdle muscular dystrophy type 2J. Last evaluated: 2021-09-10. Review status: criteria provided, single submitter. Criteria: ACMG Guidelines, 2015. Collection method: clinical testing. Allele origin: germline. Affected: no.

Genome-Nilou Lab
Classification: Benign for Myopathy, myofibrillar, 9, with early respiratory failure. Last evaluated: 2021-09-10. Review status: criteria provided, single submitter. Criteria: ACMG Guidelines, 2015. Collection method: clinical testing. Allele origin: germline. Affected: no.

Genome-Nilou Lab
Classification: Benign for Early-onset myopathy with fatal cardiomyopathy. Last evaluated: 2021-09-10. Review status: criteria provided, single submitter. Criteria: ACMG Guidelines, 2015. Collection method: clinical testing. Allele origin: germline. Affected: no.

Genome-Nilou Lab
Classification: Benign for Tibial muscular dystrophy. Last evaluated: 2021-09-10. Review status: criteria provided, single submitter. Criteria: ACMG Guidelines, 2015. Collection method: clinical testing. Allele origin: germline. Affected: no.

Athena Diagnostics
Classification: Benign. Last evaluated: 2021-02-09. Review status: criteria provided, single submitter. Criteria: Athena Diagnostics criteria. Collection method: clinical testing. Allele origin: unknown.

Ambry Genetics
Classification: Benign for Cardiovascular phenotype. Last evaluated: 2020-08-14. Review status: criteria provided, single submitter. Criteria: Ambry Variant Classification Scheme 2023. Collection method: clinical testing. Allele origin: germline.

GeneDx
Classification: Likely benign. Last evaluated: 2020-01-09. Review status: criteria provided, single submitter. Criteria: GeneDx Variant Classification Process June 2021. Collection method: clinical testing. Allele origin: germline. Affected: yes.

CHEO Genetics Diagnostic Laboratory, Children's Hospital of Eastern Ontario
Classification: Benign for Cardiomyopathy. Last evaluated: 2018-01-02. Review status: criteria provided, single submitter. Criteria: ACMG Guidelines, 2015. Collection method: clinical testing. Allele origin: germline.

Laboratory for Molecular Medicine, Mass General Brigham Personalized Medicine
Classification: Likely benign. Last evaluated: 2012-03-19. Review status: criteria provided, single submitter. Criteria: LMM Criteria. Collection method: clinical testing. Allele origin: germline. Observed: 1 variant allele.
Comment: p.Arg29234Arg in Exon 292 of TTN: This variant is not expected to have clinical significance because it does not alter an amino acid residue, is not located wit hin the splice consensus sequence. It has been identified in 1/6642 European Ame rican chromosomes from a broad population by the NHLBI Exome Sequencing Project.

Literature cited by the submitters: PubMed 24636144 (cited by Athena Diagnostics).